The following is an entry in ClinVar:

ClinVar aggregate classification (germline): Benign/Likely benign. Review status: criteria provided, multiple submitters, no conflicts (2 of 4 stars). 5 submissions from 5 submitters: Benign (1); Likely benign (4). Last evaluated 2025-12-23.

Conditions:
Wolfram syndrome 1 (WFS1). Identifiers: Orphanet 3463, MedGen C4551693, MONDO:0009101, OMIM 222300.
Wolfram-like syndrome. Also called: HEARING LOSS, PROGRESSIVE, WITH OPTIC ATROPHY AND/OR IMPAIRED GLUCOSE REGULATION. Identifiers: Orphanet 411590, MedGen C3280358, MONDO:0013673, OMIM 614296.
Cataract 41 (CTRCT41). Also called: CATARACT 41, CONGENITAL NUCLEAR TYPE. Identifiers: Orphanet 91492, Orphanet 98991, Orphanet 98992, Orphanet 98995, MedGen C3805412, MONDO:0007287, OMIM 116400.
Autosomal dominant nonsyndromic hearing loss 6 (LFSNHL). Also called: DEAFNESS, AUTOSOMAL DOMINANT 14; DEAFNESS, AUTOSOMAL DOMINANT 38; DEAFNESS, AUTOSOMAL DOMINANT 6; Autosomal dominant nonsyndromic deafness 6. Identifiers: Orphanet 90635, MedGen C1833021, MONDO:0010963, OMIM 600965.
Type 2 diabetes mellitus. Also called: Type II diabetes mellitus. Identifiers: MedGen C0011860, MeSH D003924, MONDO:0005148, OMIM 125853, HP:0005978.

Allele frequency attached by ClinVar (database versions not stated): gnomAD 0.00004; TOPMed 0.00006; ExAC 0.00013.
gnomAD v4.1: 110 of 1,613,598 alleles (0.0068%); highest among the groups gnomAD compares: South Asian, 0.019%; no homozygotes.

Submissions (5):

Labcorp Genetics (formerly Invitae), Labcorp
Classification: Likely benign. Last evaluated: 2025-12-23. Review status: criteria provided, single submitter. Criteria: Invitae Variant Classification Sherloc (09022015). Collection method: clinical testing. Allele origin: germline.

Blueprint Genetics
Classification: Likely benign. Last evaluated: 2024-07-16. Review status: criteria provided, single submitter. Criteria: ACMG Guidelines, 2015. Collection method: clinical testing. Allele origin: germline.

Fulgent Genetics
Classification: Likely benign for Cataract 41; Type 2 diabetes mellitus; Wolfram syndrome 1; Autosomal dominant nonsyndromic hearing loss 6; Wolfram-like syndrome. Last evaluated: 2022-01-06. Review status: criteria provided, single submitter. Criteria: ACMG Guidelines, 2015. Collection method: clinical testing. Allele origin: unknown.

Clinical Genomics, Uppaluri K&H Personalized Medicine Clinic
Classification: Benign for Wolfram syndrome 1. Review status: criteria provided, single submitter. Criteria: K & H Uppaluri Personalized Medicine Clinic Variant Classification & Assertion Criteria_Updated V.1. Collection method: research. Allele origin: unknown. Inheritance: Autosomal recessive inheritance.
Comment: Potent mutations in WFS1 gene are associated with Wolfram's syndrome, an autosomal recessive condition, which cause diabetes mellitus, diabetes insipidus, deafness and optic atrophy. However no sufficient evidence is found to ascertain the role of this particular variant rs762339922 in Wolfram's syndrome yet.

PreventionGenetics, part of Exact Sciences
Classification: Likely benign. Review status: criteria provided, single submitter. Criteria: ACMG Guidelines, 2015. Collection method: clinical testing. Allele origin: germline.

Literature cited by the submitters: PubMed 20738327 (cited by Clinical Genomics, Uppaluri K&H Personalized Medicine Clinic); PubMed 33879153 (cited by Clinical Genomics, Uppaluri K&H Personalized Medicine Clinic); PubMed 12955714 (cited by Clinical Genomics, Uppaluri K&H Personalized Medicine Clinic); PubMed 18060660 (cited by Clinical Genomics, Uppaluri K&H Personalized Medicine Clinic); PubMed 20301750 (cited by Clinical Genomics, Uppaluri K&H Personalized Medicine Clinic); PubMed 17603484 (cited by Clinical Genomics, Uppaluri K&H Personalized Medicine Clinic).

NM_006005.3(WFS1):c.1320C>T (p.Thr440=)

Gene: WFS1 (wolframin ER transmembrane glycoprotein; plus strand). Cytogenetic location: 4p16.1.
Variant type: single nucleotide variant.
Coding change: c.1320C>T on transcript NM_006005.3 (MANE Select); coding-DNA position 1320, C replaced by T.
Protein change: p.Thr440=; no amino-acid change (threonine 440 retained).
Molecular consequence: synonymous variant.
Genome position (GRCh38, 1-based): chr4:6,301,115, C>T. VCF-style: chr4-6301115-C-T. GRCh37 (hg19) VCF-style: chr4-6302842-C-T.
Other names: c.1320C>T, p.Thr440= (NM_001145853.1).
Identifiers: ClinVar variation 259896 (VCV000259896.14), dbSNP rs762339922, ClinGen allele CA2839309.